The following is an entry in ClinVar:

ClinVar aggregate classification (germline): Uncertain significance (1 of 4 stars; one submission).

Submission:

CeGaT Center for Human Genetics Tuebingen
Classification: Uncertain significance. Last evaluated: 2026-08-01. Review status: criteria provided, single submitter. Criteria: CeGaT Center For Human Genetics Tuebingen Variant Classification Criteria Version 2. Collection method: clinical testing. Allele origin: germline. Affected: yes. Observed: 1 variant allele.
Comment: GIGYF1: PM2

NM_001375765.1(GIGYF1):c.2916_2925+15del

Gene: GIGYF1 (GRB10 interacting GYF protein 1; minus strand). Cytogenetic location: 7q22.1.
Variant type: Deletion.
Coding change: c.2916_2925+15del on transcript NM_001375765.1 (MANE Select); coding-DNA position 2916 through 15 bases into the intron after coding-DNA position 2925, 25 bases deleted (GCAGCAGCAGGTGAGGCAGCCGGCA).
Molecular consequence: splice donor variant.
Genome position (GRCh38, 1-based): chr7:100,682,057-100,682,081, TGCCGGCTGCCTCACCTGCTGCTGC deleted on the plus strand (GCAGCAGCAGGTGAGGCAGCCGGCA on the coding strand, the reverse complement: GIGYF1 is on the minus strand); deleting any 25 consecutive bases within chr7:100,682,057-100,682,086 gives the same sequence; the c. name uses the placement nearest the transcript's 3' end. VCF-style (leftmost placement, unchanged base first): chr7-100682056-GTGCCGGCTGCCTCACCTGCTGCTGC-G. GRCh37 (hg19) VCF-style: chr7-100279679-GTGCCGGCTGCCTCACCTGCTGCTGC-G.
Other names: c.2916_2925+15del (NM_001375760.1, NM_001375764.1, NM_001375766.1 and 5 more transcripts); c.2913_2922+15del (NM_001375768.1).
Identifiers: ClinVar variation 5040353 (VCV005040353.1).